The following is an entry in ClinVar:

ClinVar aggregate classification (germline): Likely benign. Review status: criteria provided, multiple submitters, no conflicts (2 of 4 stars). 2 submissions from 2 submitters: Likely benign (2). Last evaluated 2025-09-25.

Conditions:
PKHD1-related disorder. Also called: PKHD1-related condition.
Autosomal recessive polycystic kidney disease (ARPKD). Also called: AR polycystic kidney disease. Identifiers: Orphanet 731, Orphanet 8378, MedGen C0085548, MeSH D017044, MONDO:0009889.

Allele frequency attached by ClinVar (database versions not stated): gnomAD exomes below 0.00001.
gnomAD v4.1: 1 of 1,550,272 alleles (0.000065%); highest among the groups gnomAD compares: Non-Finnish European, 0.000089%; no homozygotes.

Submissions (2):

PreventionGenetics, part of Exact Sciences
Classification: Likely benign for PKHD1-related condition. Last evaluated: 2025-09-25. Review status: criteria provided, single submitter. Criteria: ACMG Guidelines, 2015. Collection method: clinical testing. Allele origin: germline.
Comment: This variant is classified as likely benign based on ACMG/AMP sequence variant interpretation guidelines (Richards et al. 2015 PMID: 25741868, with internal and published modifications).

Labcorp Genetics (formerly Invitae), Labcorp
Classification: Likely benign for Autosomal recessive polycystic kidney disease. Last evaluated: 2022-10-15. Review status: criteria provided, single submitter. Criteria: Invitae Variant Classification Sherloc (09022015). Collection method: clinical testing. Allele origin: germline.

NM_138694.4(PKHD1):c.8556G>A (p.Gly2852=)

Gene: PKHD1 (PKHD1 ciliary IPT domain containing fibrocystin/polyductin; minus strand). Cytogenetic location: 6p12.3.
Variant type: single nucleotide variant.
Coding change: c.8556G>A on transcript NM_138694.4 (MANE Select); coding-DNA position 8556, G replaced by A.
Protein change: p.Gly2852=; no amino-acid change (glycine 2852 retained).
Molecular consequence: synonymous variant.
Genome position (GRCh38, 1-based): chr6:51,772,788, C>T on the plus strand (G>A on the coding strand, the complement: PKHD1 is on the minus strand). VCF-style: chr6-51772788-C-T. GRCh37 (hg19) VCF-style: chr6-51637586-C-T.
Other names: c.8556G>A, p.Gly2852= (NM_170724.3); c.8556G>A (NM_138694.3).
Identifiers: ClinVar variation 2035683 (VCV002035683.5), dbSNP rs2534282049, ClinGen allele CA450413653.